The following is an entry in ClinVar:

ClinVar aggregate classification (germline): Uncertain significance. Review status: reviewed by expert panel (3 of 4 stars). 3 submissions from 3 submitters: Uncertain significance (1). 2 of the submissions do not count toward it. Last evaluated 2026-02-06.

Conditions:
F8-related disorder. Also called: F8-related condition.
Hereditary factor VIII deficiency disease (HEMA). Also called: HEMOPHILIA, CLASSIC; Hemophilia A; AUTOSOMAL HEMOPHILIA A; Hemophilia A, congenital; HEM A; Factor 8 deficiency, congenital. Identifiers: Orphanet 98878, MedGen C0019069, MONDO:0010602, OMIM 306700.

Allele frequency attached by ClinVar (database versions not stated): gnomAD exomes 0.00013 and 0.00012; TOPMed 0.00013; gnomAD 0.00014 and 0.00016; ExAC 0.00019; ESP Exome Variant Server 0.00019.

Submissions (3):

ClinGen Coagulation Factor Deficiency Variant Curation Expert Panel, Clingen
Classification: Uncertain significance for Hereditary factor VIII deficiency disease. Last evaluated: 2026-02-06. Review status: reviewed by expert panel. Criteria: ClinGen CoagFactor ACMG Specifications F8 V1.0.0. Collection method: curation. Allele origin: germline. Inheritance: X-linked inheritance.
Comment: The c.1272-5T>C variant is reported at an MAF of 0.0002955 (27/91365 alleles) in the European non-Finnish population in gnomAD v2.1.1, with 5 hemizygotes, meeting BS1 criteria of MAF > 0.000167. In summary, based on the evidence available at this time, the clinical significance of this variant is uncertain. ACMG/AMP criteria applied, as specified by the Coagulation Factor Deficiency Variant Curation Expert Panel for F8 v.1.0.0: BS1.

PreventionGenetics, part of Exact Sciences
Classification: Likely benign for F8-related condition. Last evaluated: 2026-07-14. Review status: criteria provided, single submitter. Criteria: ACMG Guidelines, 2015. Collection method: clinical testing. Allele origin: germline. Not counted in ClinVar's aggregate classification.
Comment: This variant is classified as likely benign based on ACMG/AMP sequence variant interpretation guidelines (Richards et al. 2015 PMID: 25741868, with internal and published modifications).

Labcorp Genetics (formerly Invitae), Labcorp
Classification: Benign. Last evaluated: 2018-05-02. Review status: criteria provided, single submitter. Criteria: Invitae Variant Classification Sherloc (09022015). Collection method: clinical testing. Allele origin: germline. Not counted in ClinVar's aggregate classification.

NM_000132.4(F8):c.1272-5T>C

Gene: F8 (coagulation factor VIII; minus strand). Cytogenetic location: Xq28.
Variant type: single nucleotide variant.
Coding change: c.1272-5T>C on transcript NM_000132.4 (MANE Select); 5 bases into the intron before coding-DNA position 1272, T replaced by C.
Molecular consequence: intron variant.
Genome position (GRCh38, 1-based): chrX:154,966,146, A>G on the plus strand (T>C on the coding strand, the complement: F8 is on the minus strand). VCF-style: chrX-154966146-A-G. GRCh37 (hg19) VCF-style: chrX-154194421-A-G.
Identifiers: ClinVar variation 699299 (VCV000699299.6), dbSNP rs377416503, ClinGen allele CA10568476.
Genomic context (GRCh38, chrX:154,966,146, plus strand): 5'-TGTACTTCCTACCAATCCGCTGAGGGCCATTGTTCAAATATTGACTTTTATAACTTCTGT[A>G]TAAGAGAAAAAAAGATGAGAGGTTGGGAAGAAAAATTCTAGGTAGGCTCAAATCCAACTC-3'